The following is an entry in ClinVar:

ClinVar aggregate classification (germline): Uncertain significance (1 of 4 stars; one submission).

Conditions:
Cortical dysplasia-focal epilepsy syndrome (PTHSL1). Also called: Pitt-Hopkins-like syndrome 1. Identifiers: Orphanet 163681, Orphanet 221150, MedGen C2750246, MONDO:0012400, OMIM 610042.

Allele frequency attached by ClinVar (database versions not stated): gnomAD exomes below 0.00001; ExAC 0.00001; gnomAD 0.00001; TOPMed 0.00002.

Submission:

Labcorp Genetics (formerly Invitae), Labcorp
Classification: Uncertain significance for Cortical dysplasia-focal epilepsy syndrome. Last evaluated: 2022-08-15. Review status: criteria provided, single submitter. Criteria: Invitae Variant Classification Sherloc (09022015). Collection method: clinical testing. Allele origin: germline.
Comment: In summary, the available evidence is currently insufficient to determine the role of this variant in disease. Therefore, it has been classified as a Variant of Uncertain Significance. Algorithms developed to predict the effect of missense changes on protein structure and function are either unavailable or do not agree on the potential impact of this missense change (SIFT: "Deleterious"; PolyPhen-2: "Probably Damaging"; Align-GVGD: "Class C0"). ClinVar contains an entry for this variant (Variation ID: 934851). This variant has not been reported in the literature in individuals affected with CNTNAP2-related conditions. This variant is present in population databases (rs762630475, gnomAD 0.007%). This sequence change replaces threonine, which is neutral and polar, with isoleucine, which is neutral and non-polar, at codon 100 of the CNTNAP2 protein (p.Thr100Ile).

NM_014141.6(CNTNAP2):c.299C>T (p.Thr100Ile)

Gene: CNTNAP2 (contactin associated protein 2; plus strand). Cytogenetic location: 7q35.
Variant type: single nucleotide variant.
Coding change: c.299C>T on transcript NM_014141.6 (MANE Select); coding-DNA position 299, C replaced by T.
Protein change: p.Thr100Ile; replaces threonine 100 with isoleucine.
Molecular consequence: missense variant.
Genome position (GRCh38, 1-based): chr7:146,839,801, C>T. VCF-style: chr7-146839801-C-T. GRCh37 (hg19) VCF-style: chr7-146536893-C-T.
Other names: short protein forms T100I.
Identifiers: ClinVar variation 934851 (VCV000934851.10), dbSNP rs762630475, ClinGen allele CA4545742.